The following is an entry in ClinVar:

ClinVar aggregate classification (germline): Uncertain significance (1 of 4 stars; one submission).

gnomAD v4.1: 1 of 1,613,540 alleles (0.000062%); highest among the groups gnomAD compares: Non-Finnish European, 0.000085%; no homozygotes.

Submission:

Ambry Genetics
Classification: Uncertain significance. Last evaluated: 2025-02-05. Review status: criteria provided, single submitter. Criteria: Ambry Variant Classification Scheme 2023. Collection method: clinical testing. Allele origin: germline.
Comment: The p.A2188S variant (also known as c.6562G>T), located in coding exon 28 of the WNK2 gene, results from a G to T substitution at nucleotide position 6562. The alanine at codon 2188 is replaced by serine, an amino acid with similar properties. This amino acid position is conserved. In addition, this alteration is predicted to be tolerated by in silico analysis. Based on the available evidence, the clinical significance of this variant remains unclear.

NM_006648.4(WNK2):c.6562G>T (p.Ala2188Ser)

Gene: WNK2 (WNK lysine deficient protein kinase 2; plus strand). Cytogenetic location: 9q22.31.
Variant type: single nucleotide variant.
Coding change: c.6562G>T on transcript NM_006648.4 (MANE Select); coding-DNA position 6562, G replaced by T.
Protein change: p.Ala2188Ser; replaces alanine 2188 with serine.
Molecular consequence: missense variant.
Genome position (GRCh38, 1-based): chr9:93,317,565, G>T. VCF-style: chr9-93317565-G-T. GRCh37 (hg19) VCF-style: chr9-96079847-G-T.
Other names: c.6673G>T, p.Ala2225Ser (NM_001282394.3); short protein forms A2225S, A2188S.
Identifiers: ClinVar variation 3817005 (VCV003817005.1).
Genomic context (GRCh38, chr9:93,317,565, plus strand): 5'-CTCTGTGTTTTGTAGATGACCGCACCTCGAGCAGGAGTGGGGATGCCACGTCTGCCCCCA[G>T]CGCCCGGCCCTCTGTCCACCACGGTCATTCCCGGAGCCGCCCCGACCCTGTCCGTGCCCA-3'
Protein context (NP_006639.3, residues 2178-2198): AGVGMPRLPP[Ala2188Ser]PGPLSTTVIP